The following is an entry in ClinVar:

NM_001845.6(COL4A1):c.2167G>A (p.Gly723Arg)

Gene: COL4A1 (collagen type IV alpha 1 chain; minus strand). Cytogenetic location: 13q34.
Variant type: single nucleotide variant.
Coding change: c.2167G>A on transcript NM_001845.6 (MANE Select); coding-DNA position 2167, G replaced by A.
Protein change: p.Gly723Arg; replaces glycine 723 with arginine.
Molecular consequence: missense variant.
Genome position (GRCh38, 1-based): chr13:110,181,318, C>T on the plus strand (G>A on the coding strand, the complement: COL4A1 is on the minus strand). VCF-style: chr13-110181318-C-T. GRCh37 (hg19) VCF-style: chr13-110833665-C-T.
Other names: short protein forms G723R.
Identifiers: ClinVar variation 3236066 (VCV003236066.1), dbSNP rs2501787905, ClinGen allele CA388668890.

ClinVar aggregate classification (germline): Likely pathogenic (1 of 4 stars; one submission).

Conditions:
Autosomal dominant familial hematuria-retinal arteriolar tortuosity-contractures syndrome. Also called: Angiopathy, hereditary, with nephropathy, aneurysms, and muscle cramps; Hereditary Angiopathy with Nephropathy, Aneurysms, and Muscle Cramps (HANAC) Syndrome. Identifiers: Orphanet 73229, MedGen C2673195, MONDO:0012726, OMIM 611773.

Submission:

MVZ Medizinische Genetik Mainz
Classification: Likely pathogenic for Autosomal dominant familial hematuria-retinal arteriolar tortuosity-contractures syndrome. Last evaluated: 2023-04-13. Review status: criteria provided, single submitter. Criteria: UK Practice Guidelines For Variant Classification V4 01 2020. Collection method: clinical testing. Allele origin: germline. Inheritance: Autosomal dominant inheritance. Affected: yes. Observed: 1 variant allele.
Comment: ACMG Criteria: PM1_STR,PM2_SUP,PP3